The following is an entry in ClinVar:

NM_004260.4(RECQL4):c.2162G>A (p.Arg721Gln)

Gene: RECQL4 (RecQ like helicase 4; minus strand). Cytogenetic location: 8q24.3.
Variant type: single nucleotide variant.
Coding change: c.2162G>A on transcript NM_004260.4 (MANE Select); coding-DNA position 2162, G replaced by A.
Protein change: p.Arg721Gln; replaces arginine 721 with glutamine.
Molecular consequence: missense variant.
Genome position (GRCh38, 1-based): chr8:144,513,609, C>T on the plus strand (G>A on the coding strand, the complement: RECQL4 is on the minus strand). VCF-style: chr8-144513609-C-T. GRCh37 (hg19) VCF-style: chr8-145738993-C-T.
Other names: short protein forms R721Q.
Identifiers: ClinVar variation 569112 (VCV000569112.11), dbSNP rs558451720, ClinGen allele CA4948437.

ClinVar aggregate classification (germline): Conflicting classifications of pathogenicity. Review status: criteria provided, conflicting classifications (1 of 4 stars). 2 submissions from 2 submitters: Uncertain significance (1); Likely benign (1). Last evaluated 2025-12-15.

Conditions:
Inborn genetic diseases. Identifiers: MedGen C0950123, MeSH D030342.
Baller-Gerold syndrome (BGS). Also called: CRANIOSYNOSTOSIS WITH RADIAL DEFECTS. Identifiers: Orphanet 1225, MedGen C0265308, MONDO:0009039, OMIM 218600.

Allele frequency attached by ClinVar (database versions not stated): gnomAD 0.00002 and 0.00005; TOPMed 0.00003; gnomAD exomes 0.00006 and 0.00017; 1000 Genomes Project 30x 0.00016; 1000 Genomes Project 0.00020.
gnomAD v4.1: 91 of 1,605,934 alleles (0.0057%); highest among the groups gnomAD compares: South Asian, 0.079%; no homozygotes.

Submissions (2):

Labcorp Genetics (formerly Invitae), Labcorp
Classification: Uncertain significance for Baller-Gerold syndrome. Last evaluated: 2025-12-15. Review status: criteria provided, single submitter. Criteria: Invitae Variant Classification Sherloc (09022015). Collection method: clinical testing. Allele origin: germline.
Comment: This sequence change replaces arginine, which is basic and polar, with glutamine, which is neutral and polar, at codon 721 of the RECQL4 protein (p.Arg721Gln). This variant is present in population databases (rs558451720, gnomAD 0.1%). This variant has not been reported in the literature in individuals affected with RECQL4-related conditions. ClinVar contains an entry for this variant (Variation ID: 569112). Invitae Evidence Modeling of protein sequence and biophysical properties (such as structural, functional, and spatial information, amino acid conservation, physicochemical variation, residue mobility, and thermodynamic stability) indicates that this missense variant is expected to disrupt RECQL4 protein function with a positive predictive value of 80%. In summary, the available evidence is currently insufficient to determine the role of this variant in disease. Therefore, it has been classified as a Variant of Uncertain Significance.

Ambry Genetics
Classification: Likely benign for Inborn genetic diseases. Last evaluated: 2025-03-03. Review status: criteria provided, single submitter. Criteria: Ambry Variant Classification Scheme 2023. Collection method: clinical testing. Allele origin: germline.